The following is an entry in ClinVar:

NM_001105206.3(LAMA4):c.1405A>C (p.Thr469Pro)

Gene: LAMA4 (laminin subunit alpha 4; minus strand). Cytogenetic location: 6q21.
Variant type: single nucleotide variant.
Coding change: c.1405A>C on transcript NM_001105206.3 (MANE Select); coding-DNA position 1405, A replaced by C.
Protein change: p.Thr469Pro; replaces threonine 469 with proline.
Molecular consequence: missense variant.
Genome position (GRCh38, 1-based): chr6:112,172,757, T>G on the plus strand (A>C on the coding strand, the complement: LAMA4 is on the minus strand). VCF-style: chr6-112172757-T-G. GRCh37 (hg19) VCF-style: chr6-112493959-T-G.
Other names: c.1384A>C, p.Thr462Pro (NM_001105207.3, NM_002290.5); short protein forms T462P, T469P.
Identifiers: ClinVar variation 3536957 (VCV003536957.1).

ClinVar aggregate classification (germline): Uncertain significance (1 of 4 stars; one submission).

Conditions:
Cardiovascular phenotype. Identifiers: MedGen CN230736.

gnomAD v4.1: 2 of 1,613,932 alleles (0.00012%); highest among the groups gnomAD compares: Non-Finnish European, 0.00017%; no homozygotes.

Submission:

Ambry Genetics
Classification: Uncertain significance for Cardiovascular phenotype. Last evaluated: 2024-10-24. Review status: criteria provided, single submitter. Criteria: Ambry Variant Classification Scheme 2023. Collection method: clinical testing. Allele origin: germline.
Comment: The p.T462P variant (also known as c.1384A>C), located in coding exon 11 of the LAMA4 gene, results from an A to C substitution at nucleotide position 1384. The threonine at codon 462 is replaced by proline, an amino acid with highly similar properties. This amino acid position is conserved. In addition, this alteration is predicted to be tolerated by in silico analysis. Based on the available evidence, the clinical significance of this variant remains unclear.